The following is an entry in ClinVar:

ClinVar aggregate classification (germline): Conflicting classifications of pathogenicity. Review status: criteria provided, conflicting classifications (1 of 4 stars). 2 submissions from 2 submitters: Uncertain significance (1); Likely benign (1). Last evaluated 2025-10-17.

Allele frequency attached by ClinVar (database versions not stated): 1000 Genomes Project 30x 0.00078; 1000 Genomes Project 0.00080; gnomAD 0.00220; TOPMed 0.00260; ESP Exome Variant Server 0.00287; gnomAD exomes 0.00311; ExAC 0.00313.
gnomAD v4.1: 4,830 of 1,607,064 alleles (0.3%); highest among the groups gnomAD compares: Non-Finnish European, 0.37%; 9 homozygotes.

Submissions (2):

Ambry Genetics
Classification: Uncertain significance. Last evaluated: 2025-10-17. Review status: criteria provided, single submitter. Criteria: Ambry Variant Classification Scheme 2023. Collection method: clinical testing. Allele origin: germline.

CeGaT Center for Human Genetics Tuebingen
Classification: Likely benign. Last evaluated: 2022-05-01. Review status: criteria provided, single submitter. Criteria: CeGaT Center For Human Genetics Tuebingen Variant Classification Criteria Version 2. Collection method: clinical testing. Allele origin: germline. Affected: yes. Observed: 1 variant allele.
Comment: SLC29A4: BP4

NM_153247.4(SLC29A4):c.1556C>T (p.Ala519Val)

Gene: SLC29A4 (solute carrier family 29 member 4; plus strand). Cytogenetic location: 7p22.1.
Variant type: single nucleotide variant.
Coding change: c.1556C>T on transcript NM_153247.4 (MANE Select); coding-DNA position 1556, C replaced by T.
Protein change: p.Ala519Val; replaces alanine 519 with valine.
Molecular consequence: missense variant.
Genome position (GRCh38, 1-based): chr7:5,302,902, C>T. VCF-style: chr7-5302902-C-T. GRCh37 (hg19) VCF-style: chr7-5342533-C-T.
Other names: c.1556C>T (NM_001040661.1); c.1556C>T, p.Ala519Val (NM_001040661.3); c.1514C>T, p.Ala505Val (NM_001300847.3); short protein forms A505V, A519V.
Identifiers: ClinVar variation 2657271 (VCV002657271.24), dbSNP rs148653061, ClinGen allele CA4143058.